The following is an entry in ClinVar:

ClinVar aggregate classification (germline): Uncertain significance (1 of 4 stars; one submission).

Conditions:
Inborn genetic diseases. Identifiers: MedGen C0950123, MeSH D030342.

Submission:

Ambry Genetics
Classification: Uncertain significance for Inborn genetic diseases. Last evaluated: 2020-06-18. Review status: criteria provided, single submitter. Criteria: Ambry Variant Classification Scheme 2023. Collection method: clinical testing. Allele origin: germline.
Comment: The alteration results in an amino acid change:_x000D_ _x000D_ The c.997G>T (p.A333S) alteration is located in exon 10 (coding exon 8) of the DHX30 gene. This alteration results from a G to T substitution at nucleotide position 997, causing the alanine (A) at amino acid position 333 to be replaced by a serine (S). The alteration is not observed in healthy cohorts:_x000D_ _x000D_ Based on data from the Genome Aggregation Database (gnomAD), the DHX30 c.997G>T alteration was not observed with coverage at this position. The altered amino acid is not conserved throughout evolution:_x000D_ _x000D_ The p.A333 amino acid is not conserved in available vertebrate species. The alteration is predicted tolerated by in silico modeling:_x000D_ _x000D_ The p.A333S alteration is predicted to be tolerated by in silico analysis. Based on insufficient or conflicting evidence, the clinical significance of this alteration remains unclear.

NM_138615.3(DHX30):c.997G>T (p.Ala333Ser)

Gene: DHX30 (DExH-box helicase 30; plus strand). Cytogenetic location: 3p21.31.
Variant type: single nucleotide variant.
Coding change: c.997G>T on transcript NM_138615.3 (MANE Select); coding-DNA position 997, G replaced by T.
Protein change: p.Ala333Ser; replaces alanine 333 with serine.
Molecular consequence: missense variant.
Genome position (GRCh38, 1-based): chr3:47,845,757, G>T. VCF-style: chr3-47845757-G-T. GRCh37 (hg19) VCF-style: chr3-47887247-G-T.
Other names: c.913G>T, p.Ala305Ser (NM_001330990.2); c.880G>T, p.Ala294Ser (NM_014966.4); short protein forms A294S, A305S, A333S.
Identifiers: ClinVar variation 985979 (VCV000985979.4), dbSNP rs2037576339, ClinGen allele CA352585420.